The following is an entry in ClinVar:

NM_024642.5(GALNT12):c.1116C>T (p.Ser372=)

Gene: GALNT12 (polypeptide N-acetylgalactosaminyltransferase 12; plus strand). Cytogenetic location: 9q22.33.
Variant type: single nucleotide variant.
Coding change: c.1116C>T on transcript NM_024642.5 (MANE Select); coding-DNA position 1116, C replaced by T.
Protein change: p.Ser372=; no amino-acid change (serine 372 retained).
Molecular consequence: synonymous variant.
Genome position (GRCh38, 1-based): chr9:98,837,052, C>T. VCF-style: chr9-98837052-C-T. GRCh37 (hg19) VCF-style: chr9-101599334-C-T.
Identifiers: ClinVar variation 4875777 (VCV004875777.1).

ClinVar aggregate classification (germline): Benign (1 of 4 stars; one submission).

Conditions:
Colorectal cancer, susceptibility to, 1. Also called: COLORECTAL ADENOMA AND CANCER, SUSCEPTIBILITY TO; COLORECTAL CANCER, SUSCEPTIBILITY TO, ON CHROMOSOME 9. Identifiers: MedGen C1837315, MONDO:0012132, OMIM 608812.

Submission:

Myriad Genetics, Inc.
Classification: Benign for Colorectal cancer, susceptibility to, 1. Last evaluated: 2026-04-27. Review status: criteria provided, single submitter. Criteria: Myriad Autosomal Dominant, Autosomal Recessive and X-Linked Classification Criteria (2023). Collection method: clinical testing. Allele origin: unknown.
Comment: This variant is considered benign. This variant is a silent/synonymous amino acid change and it is not expected to impact splicing.